The following is an entry in ClinVar:

ClinVar aggregate classification (germline): Pathogenic/Likely pathogenic. Review status: criteria provided, multiple submitters, no conflicts (2 of 4 stars). 8 submissions from 8 submitters: Pathogenic (4); Likely pathogenic (4). Last evaluated 2026-04-23.

Conditions:
EYS-related disorder. Also called: EYS-related condition.
Retinitis pigmentosa (RP). Identifiers: Orphanet 791, MedGen C0035334, MeSH D012174, MONDO:0019200, OMIM 268000. Inheritance: Autosomal dominant, autosomal recessive and X linked inheritance.
Retinitis pigmentosa 25 (RP25). Identifiers: Orphanet 791, MedGen C1864446, MONDO:0011272, OMIM 602772.

Allele frequency attached by ClinVar (database versions not stated): gnomAD exomes 0.00002; TOPMed 0.00002; ExAC 0.00003; gnomAD 0.00005 and 0.00007.
gnomAD v4.1: 18 of 1,608,640 alleles (0.0011%); highest among the groups gnomAD compares: African/African-American, 0.023%; no homozygotes.

Submissions (8):

PreventionGenetics, part of Exact Sciences
Classification: Likely pathogenic for EYS-related condition. Last evaluated: 2026-04-23. Review status: criteria provided, single submitter. Criteria: ACMG Guidelines, 2015. Collection method: clinical testing. Allele origin: germline.
Comment: The EYS c.881C>G variant is predicted to result in premature protein termination (p.Ser294*). To our knowledge, this variant has not been reported in the literature in individuals with disease. This variant is present in 0.032% of alleles in individuals of African descent in gnomAD. Nonsense variants in EYS are an established mechanism of disease. This variant is interpreted as likely pathogenic.

Natera, Inc.
Classification: Likely pathogenic for Retinitis pigmentosa type 25. Last evaluated: 2025-12-22. Review status: criteria provided, single submitter. Criteria: Natera Variant Classification Schema (03/2026). Collection method: clinical testing. Allele origin: germline.
Comment: The c.881C>G variant in EYS is a nonsense variant predicted to introduce a stop codon at amino acid 294. This variant is expected to result in nonsense mediated decay, truncation, or a dysfunctional protein product. This variant is rare in the general population with a frequency below the threshold expected for the associated phenotype(s). Given the available evidence, this variant is classified as Likely Pathogenic.

Labcorp Genetics (formerly Invitae), Labcorp
Classification: Pathogenic. Last evaluated: 2025-11-19. Review status: criteria provided, single submitter. Criteria: Invitae Variant Classification Sherloc (09022015). Collection method: clinical testing. Allele origin: germline.
Comment: This sequence change creates a premature translational stop signal (p.Ser294*) in the EYS gene. It is expected to result in an absent or disrupted protein product. Loss-of-function variants in EYS are known to be pathogenic (PMID: 18836446, 20333770). This variant is present in population databases (rs752683070, gnomAD 0.03%). This variant has not been reported in the literature in individuals affected with EYS-related conditions. ClinVar contains an entry for this variant (Variation ID: 208579). For these reasons, this variant has been classified as Pathogenic.

GeneDx
Classification: Likely pathogenic. Last evaluated: 2024-05-14. Review status: criteria provided, single submitter. Criteria: GeneDx Variant Classification Process June 2021. Collection method: clinical testing. Allele origin: germline. Affected: yes.
Comment: Nonsense variant predicted to result in protein truncation or nonsense mediated decay in a gene for which loss-of-function is a known mechanism of disease; Has not been previously published as pathogenic or benign in association with EYS-related retinitis pigmentosa to our knowledge; This variant is associated with the following publications: (PMID: 31964843)

Myriad Genetics, Inc.
Classification: Pathogenic for Retinitis pigmentosa 25. Last evaluated: 2024-05-08. Review status: criteria provided, single submitter. Criteria: Myriad Autosomal Dominant, Autosomal Recessive and X-Linked Classification Criteria (2023). Collection method: clinical testing. Allele origin: unknown.
Comment: NM_001142800.1(EYS):c.881C>G(S294*) is expected to be pathogenic in the context of retinitis pigmentosa, EYS-related. This variant is predicted to lead to an abnormal or absent protein product due to the creation of a premature termination codon in EYS, a gene where loss-of-function variants are known to be pathogenic. Please note: this variant was assessed in the context of healthy population screening.

Blueprint Genetics
Classification: Pathogenic for EYS-related disorders. Last evaluated: 2023-12-27. Review status: criteria provided, single submitter. Criteria: ACMG Guidelines, 2015. Collection method: clinical testing. Allele origin: germline. Affected: yes. Observed: 5 variant alleles.

Women's Health and Genetics/Laboratory Corporation of America, LabCorp
Classification: Likely pathogenic for Retinitis pigmentosa. Last evaluated: 2023-04-04. Review status: criteria provided, single submitter. Criteria: LabCorp Variant Classification Summary - May 2015. Collection method: clinical testing. Allele origin: germline.
Comment: Variant summary: EYS c.881C>G (p.Ser294X) results in a premature termination codon, predicted to cause a truncation of the encoded protein or absence of the protein due to nonsense mediated decay, which are commonly known mechanisms for disease. Truncations downstream of this position have been classified as pathogenic by our laboratory. The variant allele was found at a frequency of 2.4e-05 in 250524 control chromosomes (gnomAD). To our knowledge, no occurrence of c.881C>G in individuals affected with Retinitis Pigmentosa and no experimental evidence demonstrating its impact on protein function have been reported. Two clinical diagnostic laboratories have submitted clinical-significance assessments for this variant to ClinVar after 2014 without evidence for independent evaluation, classifying the variant as pathogenic (n=1) or likely pathogenic (n=1). Based on the evidence outlined above, the variant was classified as likely pathogenic.

Laboratory for Molecular Medicine, Mass General Brigham Personalized Medicine
Classification: Pathogenic for Retinitis pigmentosa 25. Last evaluated: 2014-12-15. Review status: criteria provided, single submitter. Criteria: LMM Criteria. Collection method: clinical testing. Allele origin: germline. Inheritance: Autosomal recessive inheritance. Observed: 1 variant allele. Study: CSER-MedSeq.
Comment: The p.Ser294X variant in EYS has not been previously reported in individuals with retinitis pigmentosa but has been identified in 0.038% (4/10520) of African chromosomes by the Exome Aggregation Consortium. Although this variant has been seen in the general population, its frequency is low enough to be consistent with a recessive carrier frequency. This nonsense variant leads to a premature termination codon at position 294, which is predicted to lead to a truncated or absent protein. Complete loss of EYS function is an established disease mechanism in individuals with autosomal recessive retinitis pigmentosa. In summary, this variant meets our criteria to be classified as pathogenic for retinitis pigmentosa in an autosomal recessive manner.

Literature cited by the submitters: PubMed 18836446 (cited by Labcorp Genetics (formerly Invitae), Labcorp); PubMed 20333770 (cited by Labcorp Genetics (formerly Invitae), Labcorp); PubMed 31964843 (cited by Women's Health and Genetics/Laboratory Corporation of America, LabCorp).

NM_001142800.2(EYS):c.881C>G (p.Ser294Ter)

Gene: EYS (EGF-like photoreceptor maintenance factor; minus strand). Cytogenetic location: 6q12.
Variant type: single nucleotide variant.
Coding change: c.881C>G on transcript NM_001142800.2 (MANE Select); coding-DNA position 881, C replaced by G.
Protein change: p.Ser294Ter; replaces serine 294 with a stop codon.
Molecular consequence: nonsense.
Genome position (GRCh38, 1-based): chr6:65,405,349, G>C on the plus strand (C>G on the coding strand, the complement: EYS is on the minus strand). VCF-style: chr6-65405349-G-C. GRCh37 (hg19) VCF-style: chr6-66115242-G-C.
Other names: c.881C>G, p.Ser294Ter (NM_001142801.2, NM_001292009.2, NM_198283.2); short protein forms S294*.
Identifiers: ClinVar variation 208579 (VCV000208579.23), dbSNP rs752683070, ClinGen allele CA276000.